The following is an entry in ClinVar:

ClinVar aggregate classification (germline): Uncertain significance (1 of 4 stars; one submission).

Conditions:
Autosomal dominant nocturnal frontal lobe epilepsy 5. Also called: Epilepsy, nocturnal frontal lobe, 5; KCNT1-Related Epilepsy; CILIARY DYSKINESIA, PRIMARY, 28, WITHOUT SITUS INVERSUS; CILIARY DYSKINESIA, PRIMARY, 28, WITH SITUS INVERSUS. Identifiers: Orphanet 98784, MedGen C3554306, MONDO:0014002, OMIM 615005.
Developmental and epileptic encephalopathy, 14 (DEE14). Also called: Early infantile epileptic encephalopathy 14. Identifiers: Orphanet 293181, MedGen C3554195, MONDO:0013989, OMIM 614959.

Submission:

Labcorp Genetics (formerly Invitae), Labcorp
Classification: Uncertain significance for Autosomal dominant nocturnal frontal lobe epilepsy 5; Developmental and epileptic encephalopathy, 14. Last evaluated: 2022-10-13. Review status: criteria provided, single submitter. Criteria: Invitae Variant Classification Sherloc (09022015). Collection method: clinical testing. Allele origin: germline.
Comment: This variant results in a copy number gain of the genomic region encompassing exon(s) 2 of the KCNT1 gene. While the exact position of this variant cannot be determined from the data, sub-genic copy number gains are generally in tandem (PMID: 25640679). This variant is predicted to be in-frame, and likely preserves the integrity of the reading frame. This variant has not been reported in the literature in individuals affected with KCNT1-related conditions. Experimental studies and prediction algorithms are not available or were not evaluated, and the functional significance of this variant is currently unknown. In summary, the available evidence is currently insufficient to determine the role of this variant in disease. Therefore, it has been classified as a Variant of Uncertain Significance.

Literature cited by the submitters: PubMed 25640679.

NC_000009.11:g.(?_138606403)_(138606586_?)dup

Gene: KCNT1 (potassium sodium-activated channel subfamily T member 1; plus strand). Cytogenetic location: 9q34.3.
Variant type: Duplication.
Identifiers: ClinVar variation 2426624 (VCV002426624.6).